The following is an entry in ClinVar:

NM_006648.4(WNK2):c.5936A>G (p.Asp1979Gly)

Gene: WNK2 (WNK lysine deficient protein kinase 2; plus strand). Cytogenetic location: 9q22.31.
Variant type: single nucleotide variant.
Coding change: c.5936A>G on transcript NM_006648.4 (MANE Select); coding-DNA position 5936, A replaced by G.
Protein change: p.Asp1979Gly; replaces aspartic acid 1979 with glycine.
Molecular consequence: missense variant.
Genome position (GRCh38, 1-based): chr9:93,299,082, A>G. VCF-style: chr9-93299082-A-G. GRCh37 (hg19) VCF-style: chr9-96061364-A-G.
Other names: c.6047A>G, p.Asp2016Gly (NM_001282394.3); short protein forms D2016G, D1979G.
Identifiers: ClinVar variation 4201543 (VCV004201543.1).

ClinVar aggregate classification (germline): Uncertain significance (1 of 4 stars; one submission).

Submission:

Ambry Genetics
Classification: Uncertain significance. Last evaluated: 2025-06-23. Review status: criteria provided, single submitter. Criteria: Ambry Variant Classification Scheme 2023. Collection method: clinical testing. Allele origin: germline.
Comment: The p.D1979G variant (also known as c.5936A>G), located in coding exon 24 of the WNK2 gene, results from an A to G substitution at nucleotide position 5936. The aspartic acid at codon 1979 is replaced by glycine, an amino acid with similar properties. This amino acid position is conserved. In addition, this alteration is predicted to be tolerated by in silico analysis. Based on the available evidence, the clinical significance of this variant remains unclear.